The following is an entry in ClinVar:

ClinVar aggregate classification (germline): Uncertain significance. Review status: criteria provided, multiple submitters, no conflicts (2 of 4 stars). 2 submissions from 2 submitters: Uncertain significance (2). Last evaluated 2022-09-30.

Conditions:
Carney-Stratakis syndrome. Also called: PARAGANGLIOMA AND GASTROINTESTINAL STROMAL TUMOR. Identifiers: Orphanet 97286, MedGen C1847319, MONDO:0011740, OMIM 606864.
Paragangliomas with sensorineural hearing loss. Identifiers: MedGen C1868633.
Pheochromocytoma. Also called: MAX-Related Hereditary Paraganglioma-Pheochromocytoma Syndrome. Identifiers: Orphanet 29072, MedGen C0031511, MONDO:0008233, OMIM 171300, HP:0002666.
Cowden syndrome 3 (CWS3). Identifiers: Orphanet 201, MedGen CN166604, MONDO:0014045.
Hereditary cancer-predisposing syndrome. Also called: Hereditary Cancer Syndrome; Tumor predisposition; Neoplastic Syndromes, Hereditary; Hereditary neoplastic syndrome. Identifiers: Orphanet 140162, MedGen C0027672, MeSH D009386, MONDO:0015356.

Submissions (2):

Ambry Genetics
Classification: Uncertain significance for Hereditary cancer-predisposing syndrome. Last evaluated: 2022-09-30. Review status: criteria provided, single submitter. Criteria: Ambry Variant Classification Scheme 2023. Collection method: clinical testing. Allele origin: germline.
Comment: The p.D37N variant (also known as c.109G>A), located in coding exon 2 of the SDHD gene, results from a G to A substitution at nucleotide position 109. The aspartic acid at codon 37 is replaced by asparagine, an amino acid with highly similar properties. This amino acid position is conserved. In addition, the in silico prediction for this alteration is inconclusive. Since supporting evidence is limited at this time, the clinical significance of this alteration remains unclear.

Labcorp Genetics (formerly Invitae), Labcorp
Classification: Uncertain significance for Carney-Stratakis syndrome; Paragangliomas with sensorineural hearing loss; Pheochromocytoma; Cowden syndrome 3. Last evaluated: 2020-07-20. Review status: criteria provided, single submitter. Criteria: Invitae Variant Classification Sherloc (09022015). Collection method: clinical testing. Allele origin: germline.
Comment: This sequence change replaces aspartic acid with asparagine at codon 37 of the SDHD protein (p.Asp37Asn). The aspartic acid residue is moderately conserved and there is a small physicochemical difference between aspartic acid and asparagine. In summary, the available evidence is currently insufficient to determine the role of this variant in disease. Therefore, it has been classified as a Variant of Uncertain Significance. Advanced modeling of protein sequence and biophysical properties (such as structural, functional, and spatial information, amino acid conservation, physicochemical variation, residue mobility, and thermodynamic stability) performed at Invitae indicates that this missense variant is not expected to disrupt SDHD protein function. This variant has not been reported in the literature in individuals with SDHD-related conditions. This variant is not present in population databases (ExAC no frequency).

NM_003002.4(SDHD):c.109G>A (p.Asp37Asn)

Gene: SDHD (succinate dehydrogenase complex subunit D; plus strand). Cytogenetic location: 11q23.1.
Variant type: single nucleotide variant.
Coding change: c.109G>A on transcript NM_003002.4 (MANE Select); coding-DNA position 109, G replaced by A.
Protein change: p.Asp37Asn; replaces aspartic acid 37 with asparagine.
Molecular consequence: missense variant. On other transcripts: non-coding transcript variant (1), intron variant (1).
Genome position (GRCh38, 1-based): chr11:112,087,913, G>A. VCF-style: chr11-112087913-G-A. GRCh37 (hg19) VCF-style: chr11-111958637-G-A.
Other names: c.109G>A, p.Asp37Asn (NM_001276503.2, NM_001276506.2); c.52+954G>A (NM_001276504.2); short protein forms D37N.
Identifiers: ClinVar variation 1015671 (VCV001015671.50), dbSNP rs1865654125, ClinGen allele CA382617008.